The following is an entry in ClinVar:

NM_177438.3(DICER1):c.118A>G (p.Asn40Asp)

Gene: DICER1 (dicer 1, ribonuclease III; minus strand). Cytogenetic location: 14q32.13.
Variant type: single nucleotide variant.
Coding change: c.118A>G on transcript NM_177438.3 (MANE Select); coding-DNA position 118, A replaced by G.
Protein change: p.Asn40Asp; replaces asparagine 40 with aspartic acid.
Molecular consequence: missense variant. On other transcripts: 5 prime UTR variant (8), non-coding transcript variant (6), intron variant (1).
Genome position (GRCh38, 1-based): chr14:95,133,341, T>C on the plus strand (A>G on the coding strand, the complement: DICER1 is on the minus strand). VCF-style: chr14-95133341-T-C. GRCh37 (hg19) VCF-style: chr14-95599678-T-C.
Other names: c.118A>G, p.Asn40Asp (NM_001195573.1, NM_001271282.3, NM_001291628.2 and 15 more transcripts); c.-157A>G (NM_001395686.1, NM_001395688.1, NM_001395689.1 and 3 more transcripts); c.-341A>G (NM_001395691.1); c.-1451A>G (NM_001395697.1); c.-130-664A>G (NM_001395687.1); short protein forms N40D.
Identifiers: ClinVar variation 2586409 (VCV002586409.2), dbSNP rs1482582825, ClinGen allele CA390890431.
Genomic context (GRCh38, chr14:95,133,341, plus strand): 5'-TAGAATGCTCCAGTATTAGTGTTCGCATTAGTACCTGATATTTTCTTGGCGTATAAATGT[T>C]ATCATGAATTGCTTCTTGTTGCCATGGCAGTCCAAAGAAAGGACCCATTGGTGAGGAAGC-3'
Protein context (NP_803187.1, residues 30-50): LPWQQEAIHD[Asn40Asp]IYTPRKYQVE

ClinVar aggregate classification (germline): Uncertain significance (1 of 4 stars; one submission).

Conditions:
Hereditary cancer-predisposing syndrome. Also called: Hereditary neoplastic syndrome; Tumor predisposition; Hereditary Cancer Syndrome; Neoplastic Syndromes, Hereditary. Identifiers: Orphanet 140162, MedGen C0027672, MeSH D009386, MONDO:0015356.

Submission:

Ambry Genetics
Classification: Uncertain significance for Hereditary cancer-predisposing syndrome. Last evaluated: 2023-07-28. Review status: criteria provided, single submitter. Criteria: Ambry Variant Classification Scheme 2023. Collection method: clinical testing. Allele origin: germline.
Comment: The p.N40D variant (also known as c.118A>G), located in coding exon 1 of the DICER1 gene, results from an A to G substitution at nucleotide position 118. The asparagine at codon 40 is replaced by aspartic acid, an amino acid with highly similar properties. This amino acid position is highly conserved in available vertebrate species. In addition, this alteration is predicted to be tolerated by in silico analysis. Since supporting evidence is limited at this time, the clinical significance of this alteration remains unclear.